The following is an entry in ClinVar:

ClinVar aggregate classification (germline): Uncertain significance (1 of 4 stars; one submission).

Conditions:
Catecholaminergic polymorphic ventricular tachycardia 1. Also called: RYR2-Related Catecholaminergic Polymorphic Ventricular Tachycardia; VENTRICULAR TACHYCARDIA, STRESS-INDUCED POLYMORPHIC 1; VENTRICULAR TACHYCARDIA, CATECHOLAMINERGIC POLYMORPHIC, 1, WITH OR WITHOUT ATRIAL DYSFUNCTION AND/OR DILATED CARDIOMYOPATHY. Identifiers: Orphanet 3286, MedGen C1631597, MONDO:0011484, OMIM 604772.

Submission:

Labcorp Genetics (formerly Invitae), Labcorp
Classification: Uncertain significance for Catecholaminergic polymorphic ventricular tachycardia 1. Last evaluated: 2023-08-28. Review status: criteria provided, single submitter. Criteria: Invitae Variant Classification Sherloc (09022015). Collection method: clinical testing. Allele origin: germline.
Comment: This sequence change replaces threonine, which is neutral and polar, with isoleucine, which is neutral and non-polar, at codon 1176 of the RYR2 protein (p.Thr1176Ile). This variant is not present in population databases (gnomAD no frequency). In summary, the available evidence is currently insufficient to determine the role of this variant in disease. Therefore, it has been classified as a Variant of Uncertain Significance. Advanced modeling of protein sequence and biophysical properties (such as structural, functional, and spatial information, amino acid conservation, physicochemical variation, residue mobility, and thermodynamic stability) performed at Invitae indicates that this missense variant is not expected to disrupt RYR2 protein function. This variant has not been reported in the literature in individuals affected with RYR2-related conditions.

NM_001035.3(RYR2):c.3527C>T (p.Thr1176Ile)

Gene: RYR2 (ryanodine receptor 2; plus strand). Cytogenetic location: 1q43.
Variant type: single nucleotide variant.
Coding change: c.3527C>T on transcript NM_001035.3 (MANE Select); coding-DNA position 3527, C replaced by T.
Protein change: p.Thr1176Ile; replaces threonine 1176 with isoleucine.
Molecular consequence: missense variant.
Genome position (GRCh38, 1-based): chr1:237,569,248, C>T. VCF-style: chr1-237569248-C-T. GRCh37 (hg19) VCF-style: chr1-237732548-C-T.
Other names: short protein forms T1176I.
Identifiers: ClinVar variation 2857835 (VCV002857835.3), dbSNP rs2546447830, ClinGen allele CA345390500.
Genomic context (GRCh38, chr1:237,569,248, plus strand): 5'-GGCAAGCAGGCGATGTCGTGGGGTGTATGGTTGACATGAACGAACACACCATGATGTTCA[C>T]ACTGAATGGTGAAATCCTTCTTGATGATTCAGGCTCAGAACTGGCTTTCAAGGACTTTGA-3'
Protein context (NP_001026.2, residues 1166-1186): VDMNEHTMMF[Thr1176Ile]LNGEILLDDS